The following is an entry in ClinVar:

NM_000266.4(NDP):c.14T>C (p.Val5Ala)

Genes: NDP (norrin cystine knot growth factor NDP; minus strand), NDP-AS1 (NDP antisense RNA 1; plus strand). Cytogenetic location: Xp11.3.
Variant type: single nucleotide variant.
Coding change: c.14T>C on transcript NM_000266.4 (MANE Select); coding-DNA position 14, T replaced by C.
Protein change: p.Val5Ala; replaces valine 5 with alanine.
Molecular consequence: missense variant.
Genome position (GRCh38, 1-based): chrX:43,958,632, A>G on the plus strand (T>C on the coding strand, the complement: NDP is on the minus strand). VCF-style: chrX-43958632-A-G. GRCh37 (hg19) VCF-style: chrX-43817878-A-G.
Other names: short protein forms V5A.
Identifiers: ClinVar variation 4766246 (VCV004766246.1).

ClinVar aggregate classification (germline): Uncertain significance (1 of 4 stars; one submission).

Submission:

Labcorp Genetics (formerly Invitae), Labcorp
Classification: Uncertain significance. Last evaluated: 2025-07-27. Review status: criteria provided, single submitter. Criteria: Invitae Variant Classification Sherloc (09022015). Collection method: clinical testing. Allele origin: germline.
Comment: This sequence change replaces valine, which is neutral and non-polar, with alanine, which is neutral and non-polar, at codon 5 of the NDP protein (p.Val5Ala). This variant is present in population databases (no rsID available, gnomAD 0.004%). This variant has not been reported in the literature in individuals affected with NDP-related conditions. Invitae Evidence Modeling of protein sequence and biophysical properties (such as structural, functional, and spatial information, amino acid conservation, physicochemical variation, residue mobility, and thermodynamic stability) has been performed for this missense variant. However, the output from this modeling did not meet the statistical confidence thresholds required to predict the impact of this variant on NDP protein function. In summary, the available evidence is currently insufficient to determine the role of this variant in disease. Therefore, it has been classified as a Variant of Uncertain Significance.